The following is an entry in ClinVar:

ClinVar aggregate classification (germline): Uncertain significance (1 of 4 stars; one submission).

gnomAD v4.1: 1 of 1,614,046 alleles (0.000062%); highest among the groups gnomAD compares: Admixed American, 0.0017%; no homozygotes.

Submission:

Labcorp Genetics (formerly Invitae), Labcorp
Classification: Uncertain significance. Last evaluated: 2024-12-23. Review status: criteria provided, single submitter. Criteria: Invitae Variant Classification Sherloc (09022015). Collection method: clinical testing. Allele origin: germline.
Comment: This sequence change replaces leucine, which is neutral and non-polar, with proline, which is neutral and non-polar, at codon 240 of the DCHS1 protein (p.Leu240Pro). This variant is present in population databases (no rsID available, gnomAD 0.003%). This variant has not been reported in the literature in individuals affected with DCHS1-related conditions. Invitae Evidence Modeling of protein sequence and biophysical properties (such as structural, functional, and spatial information, amino acid conservation, physicochemical variation, residue mobility, and thermodynamic stability) indicates that this missense variant is not expected to disrupt DCHS1 protein function with a negative predictive value of 95%. In summary, the available evidence is currently insufficient to determine the role of this variant in disease. Therefore, it has been classified as a Variant of Uncertain Significance.

NM_003737.4(DCHS1):c.719T>C (p.Leu240Pro)

Gene: DCHS1 (dachsous cadherin-related 1; minus strand). Cytogenetic location: 11p15.4.
Variant type: single nucleotide variant.
Coding change: c.719T>C on transcript NM_003737.4 (MANE Select); coding-DNA position 719, T replaced by C.
Protein change: p.Leu240Pro; replaces leucine 240 with proline.
Molecular consequence: missense variant.
Genome position (GRCh38, 1-based): chr11:6,640,895, A>G on the plus strand (T>C on the coding strand, the complement: DCHS1 is on the minus strand). VCF-style: chr11-6640895-A-G. GRCh37 (hg19) VCF-style: chr11-6662126-A-G.
Other names: short protein forms L240P.
Identifiers: ClinVar variation 3691093 (VCV003691093.2).